The following is an entry in ClinVar:

NM_016604.4(KDM3B):c.4627G>A (p.Ala1543Thr)

Gene: KDM3B (lysine demethylase 3B; plus strand). Cytogenetic location: 5q31.2.
Variant type: single nucleotide variant.
Coding change: c.4627G>A on transcript NM_016604.4 (MANE Select); coding-DNA position 4627, G replaced by A.
Protein change: p.Ala1543Thr; replaces alanine 1543 with threonine.
Molecular consequence: missense variant.
Genome position (GRCh38, 1-based): chr5:138,427,313, G>A. VCF-style: chr5-138427313-G-A. GRCh37 (hg19) VCF-style: chr5-137763002-G-A.
Other names: short protein forms A1543T.
Identifiers: ClinVar variation 1685359 (VCV001685359.3), dbSNP rs2127002980, ClinGen allele CA361094072.

ClinVar aggregate classification (germline): Likely pathogenic. Review status: criteria provided, multiple submitters, no conflicts (2 of 4 stars). 2 submissions from 2 submitters: Likely pathogenic (2). Last evaluated 2022-05-04.

Conditions:
Diets-Jongmans syndrome. Also called: INTELLECTUAL DEVELOPMENTAL DISORDER WITH DISTINCTIVE FACIAL DYSMORPHISM. Identifiers: MedGen C5394263, MONDO:0030012, OMIM 618846.

Submissions (2):

Mendelics
Classification: Likely pathogenic for Diets-Jongmans syndrome. Last evaluated: 2022-05-04. Review status: criteria provided, single submitter. Criteria: Mendelics Assertion Criteria 2019. Collection method: clinical testing. Allele origin: germline.

Centre of Medical Genetics, University Hospital Muenster
Classification: Likely pathogenic. Last evaluated: 2021-12-08. Review status: criteria provided, single submitter. Criteria: ACMG Guidelines, 2015. Collection method: clinical testing. Allele origin: de novo. Affected: yes. Observed: 1 variant allele, 1 heterozygote.
Comment: ACMG categories: PS2,PM1,PM2,PP3,BP1